The following is an entry in ClinVar:

ClinVar aggregate classification (germline): Uncertain significance (1 of 4 stars; one submission).

Allele frequency attached by ClinVar (database versions not stated): gnomAD exomes below 0.00001.
gnomAD v4.1: 1 of 1,614,034 alleles (0.000062%); highest among the groups gnomAD compares: Non-Finnish European, 0.000085%; no homozygotes.

Submission:

Labcorp Genetics (formerly Invitae), Labcorp
Classification: Uncertain significance. Last evaluated: 2023-04-25. Review status: criteria provided, single submitter. Criteria: Invitae Variant Classification Sherloc (09022015). Collection method: clinical testing. Allele origin: germline.
Comment: This sequence change replaces asparagine, which is neutral and polar, with aspartic acid, which is acidic and polar, at codon 733 of the KMT2A protein (p.Asn733Asp). This variant is not present in population databases (gnomAD no frequency). This variant has not been reported in the literature in individuals affected with KMT2A-related conditions. Advanced modeling of protein sequence and biophysical properties (such as structural, functional, and spatial information, amino acid conservation, physicochemical variation, residue mobility, and thermodynamic stability) performed at Invitae indicates that this missense variant is not expected to disrupt KMT2A protein function. In summary, the available evidence is currently insufficient to determine the role of this variant in disease. Therefore, it has been classified as a Variant of Uncertain Significance.

NM_001197104.2(KMT2A):c.2197A>G (p.Asn733Asp)

Gene: KMT2A (lysine methyltransferase 2A; plus strand). Cytogenetic location: 11q23.3.
Variant type: single nucleotide variant.
Coding change: c.2197A>G on transcript NM_001197104.2 (MANE Select); coding-DNA position 2197, A replaced by G.
Protein change: p.Asn733Asp; replaces asparagine 733 with aspartic acid.
Molecular consequence: missense variant.
Genome position (GRCh38, 1-based): chr11:118,473,356, A>G. VCF-style: chr11-118473356-A-G. GRCh37 (hg19) VCF-style: chr11-118344071-A-G.
Other names: c.2296A>G, p.Asn766Asp (NM_001412597.1); c.2197A>G, p.Asn733Asp (NM_005933.4); short protein forms N766D, N733D.
Identifiers: ClinVar variation 2859194 (VCV002859194.3), dbSNP rs2134266669, ClinGen allele CA382813474.